The following is an entry in ClinVar:

NM_144573.4(NEXN):c.442G>A (p.Glu148Lys)

Genes: NEXN (nexilin F-actin binding protein; plus strand), LOC126805765 (BRD4-independent group 4 enhancer GRCh37_chr1:78383688-78384887; plus strand). Cytogenetic location: 1p31.1.
Variant type: single nucleotide variant.
Coding change: c.442G>A on transcript NM_144573.4 (MANE Select); coding-DNA position 442, G replaced by A.
Protein change: p.Glu148Lys; replaces glutamic acid 148 with lysine.
Molecular consequence: missense variant.
Genome position (GRCh38, 1-based): chr1:77,918,268, G>A. VCF-style: chr1-77918268-G-A. GRCh37 (hg19) VCF-style: chr1-78383953-G-A.
Other names: p.E148K:GAA>AAA; c.250G>A, p.Glu84Lys (NM_001172309.2); short protein forms E148K, E84K.
Identifiers: ClinVar variation 201916 (VCV000201916.2), dbSNP rs794729082, ClinGen allele CA335388.

ClinVar aggregate classification (germline): Uncertain significance (1 of 4 stars; one submission).

Allele frequency attached by ClinVar (database versions not stated): TOPMed below 0.00001.

Submission:

GeneDx
Classification: Uncertain significance. Last evaluated: 2013-01-11. Review status: criteria provided, single submitter. Criteria: GeneDx Variant Classification (06012015). Collection method: clinical testing. Allele origin: germline. Affected: yes.
Comment: p.Glu148Lys (GAA>AAA): c.442 G>A in exon 5 of the NEXN gene (NM_144573.3). The Glu148Lys variant in the NEXN gene has not been reported as a disease-causing mutation or as a benign polymorphism to our knowledge. Glu148Lys results in a non-conservative amino acid substitution of a negatively charged Glutamic acid with a positively charged Lysine at a position that is not highly conserved. The Glu148Lys variant was not observed in approximately 6,000 individuals of European and African American ancestry in the NHLBI Exome Sequencing Project, indicating it is not a common benign variant in these populations. Nevertheless, only very few NEXN mutations have been reported in association with cardiomyopathy to date, and none of those were located nearby. The variant is found in DCM panel(s).